The following is an entry in ClinVar:

ClinVar aggregate classification (germline): Uncertain significance (1 of 4 stars; one submission).

Conditions:
Cardiovascular phenotype. Identifiers: MedGen CN230736.

Submission:

Ambry Genetics
Classification: Uncertain significance for Cardiovascular phenotype. Last evaluated: 2025-07-30. Review status: criteria provided, single submitter. Criteria: Ambry Variant Classification Scheme 2023. Collection method: clinical testing. Allele origin: germline.
Comment: The p.T157K variant (also known as c.470C>A), located in coding exon 4 of the SCN2B gene, results from a C to A substitution at nucleotide position 470. The threonine at codon 157 is replaced by lysine, an amino acid with similar properties. This amino acid position is conserved. In addition, this alteration is predicted to be deleterious by in silico analysis. Based on the available evidence, the clinical significance of this variant remains unclear.

NM_004588.5(SCN2B):c.470C>A (p.Thr157Lys)

Gene: SCN2B (sodium voltage-gated channel beta subunit 2; minus strand). Cytogenetic location: 11q23.3.
Variant type: single nucleotide variant.
Coding change: c.470C>A on transcript NM_004588.5 (MANE Select); coding-DNA position 470, C replaced by A.
Protein change: p.Thr157Lys; replaces threonine 157 with lysine.
Molecular consequence: missense variant.
Genome position (GRCh38, 1-based): chr11:118,167,065, G>T on the plus strand (C>A on the coding strand, the complement: SCN2B is on the minus strand). VCF-style: chr11-118167065-G-T. GRCh37 (hg19) VCF-style: chr11-118037780-G-T.
Other names: short protein forms T157K.
Identifiers: ClinVar variation 4160609 (VCV004160609.1).